The following is an entry in ClinVar:

ClinVar aggregate classification (germline): Conflicting classifications of pathogenicity. Review status: criteria provided, conflicting classifications (1 of 4 stars). 3 submissions from 3 submitters: Uncertain significance (2); Likely benign (1). Last evaluated 2025-02-25.

Conditions:
Adams-Oliver syndrome 2 (AOS2). Identifiers: Orphanet 974, MedGen C3280182, MONDO:0013635, OMIM 614219.
Inborn genetic diseases. Identifiers: MedGen C0950123, MeSH D030342.

gnomAD v4.1: 54 of 1,613,294 alleles (0.0033%); highest among the groups gnomAD compares: Middle Eastern, 0.049%; no homozygotes.

Submissions (3):

Ambry Genetics
Classification: Uncertain significance for Inborn genetic diseases. Last evaluated: 2025-02-25. Review status: criteria provided, single submitter. Criteria: Ambry Variant Classification Scheme 2023. Collection method: clinical testing. Allele origin: germline.

3billion
Classification: Likely benign for Adams-Oliver syndrome 2. Last evaluated: 2024-09-20. Review status: criteria provided, single submitter. Criteria: ACMG Guidelines, 2015. Collection method: clinical testing. Allele origin: germline. Affected: no.
Comment: The homozygous variant was found in patients diagnosed with another variant in a different gene, with no symptoms related to the gene containing the homozygous variant.

Labcorp Genetics (formerly Invitae), Labcorp
Classification: Uncertain significance. Last evaluated: 2023-10-04. Review status: criteria provided, single submitter. Criteria: Invitae Variant Classification Sherloc (09022015). Collection method: clinical testing. Allele origin: germline.
Comment: This sequence change replaces arginine, which is basic and polar, with histidine, which is basic and polar, at codon 1160 of the DOCK6 protein (p.Arg1160His). This variant is present in population databases (rs778082263, gnomAD 0.01%). This variant has not been reported in the literature in individuals affected with DOCK6-related conditions. Advanced modeling of protein sequence and biophysical properties (such as structural, functional, and spatial information, amino acid conservation, physicochemical variation, residue mobility, and thermodynamic stability) performed at Invitae indicates that this missense variant is not expected to disrupt DOCK6 protein function. In summary, the available evidence is currently insufficient to determine the role of this variant in disease. Therefore, it has been classified as a Variant of Uncertain Significance.

NM_020812.4(DOCK6):c.3479G>A (p.Arg1160His)

Gene: DOCK6 (dedicator of cytokinesis 6; minus strand). Cytogenetic location: 19p13.2.
Variant type: single nucleotide variant.
Coding change: c.3479G>A on transcript NM_020812.4 (MANE Select); coding-DNA position 3479, G replaced by A.
Protein change: p.Arg1160His; replaces arginine 1160 with histidine.
Molecular consequence: missense variant.
Genome position (GRCh38, 1-based): chr19:11,221,922, C>T on the plus strand (G>A on the coding strand, the complement: DOCK6 is on the minus strand). VCF-style: chr19-11221922-C-T. GRCh37 (hg19) VCF-style: chr19-11332598-C-T.
Other names: c.3584G>A, p.Arg1195His (NM_001367830.1); c.3479G>A (NM_020812.2); short protein forms R1195H, R1160H.
Identifiers: ClinVar variation 2713706 (VCV002713706.4), dbSNP rs778082263, ClinGen allele CA9207246.